The following is an entry in ClinVar:

NM_001256545.2(MEGF10):c.743A>G (p.His248Arg)

Gene: MEGF10 (multiple EGF like domains 10; plus strand). Cytogenetic location: 5q23.2.
Variant type: single nucleotide variant.
Coding change: c.743A>G on transcript NM_001256545.2 (MANE Select); coding-DNA position 743, A replaced by G.
Protein change: p.His248Arg; replaces histidine 248 with arginine.
Molecular consequence: missense variant.
Genome position (GRCh38, 1-based): chr5:127,398,759, A>G. VCF-style: chr5-127398759-A-G. GRCh37 (hg19) VCF-style: chr5-126734451-A-G.
Other names: c.743A>G, p.His248Arg (NM_001308119.2, NM_001308121.2, NM_032446.3); short protein forms H248R.
Identifiers: ClinVar variation 472746 (VCV000472746.11), dbSNP rs1286512106, ClinGen allele CA360720845.

ClinVar aggregate classification (germline): Uncertain significance (1 of 4 stars; one submission).

Conditions:
MEGF10-related myopathy (CMYO10A). Also called: Congenital myopathy 10A, severe variant. Identifiers: Orphanet 439212, MedGen C3280679, MONDO:0013731, OMIM 614399.

Submission:

Labcorp Genetics (formerly Invitae), Labcorp
Classification: Uncertain significance for MEGF10-related myopathy. Last evaluated: 2019-05-09. Review status: criteria provided, single submitter. Criteria: Invitae Variant Classification Sherloc (09022015). Collection method: clinical testing. Allele origin: germline.
Comment: Algorithms developed to predict the effect of missense changes on protein structure and function do not agree on the potential impact of this missense change (SIFT: "Deleterious"; PolyPhen-2: "Benign"; Align-GVGD: "Class C25"). In summary, this variant is a novel missense change with uncertain impact on protein function. It has been classified as a Variant of Uncertain Significance. This variant is not present in population databases (ExAC no frequency) and has not been reported in the literature in individuals with a MEGF10-related disease. This sequence change replaces histidine with arginine at codon 248 of the MEGF10 protein (p.His248Arg). The histidine residue is highly conserved and there is a small physicochemical difference between histidine and arginine.